The following is an entry in ClinVar:

ClinVar aggregate classification (germline): Pathogenic. Review status: criteria provided, multiple submitters, no conflicts (2 of 4 stars). 2 submissions from 2 submitters: Pathogenic (2). Last evaluated 2025-03-28.

Conditions:
Chopra-Amiel-Gordon syndrome (CAGS). Also called: ANKRD17-Related Neurodevelopmental Syndrome. Identifiers: MedGen C5561975, MONDO:0859186, OMIM 619504.

Submissions (2):

3billion
Classification: Pathogenic for Chopra-Amiel-Gordon syndrome. Last evaluated: 2025-03-28. Review status: criteria provided, single submitter. Criteria: ACMG Guidelines, 2015. Collection method: clinical testing. Allele origin: germline. Affected: yes.
Comment: The variant is not observed in the gnomAD v4.1.0 dataset. Predicted Consequence/Location: Frameshift: predicted to result in a loss or disruption of normal protein function through nonsense-mediated decay (NMD) or protein truncation. Multiple pathogenic variants are reported downstream of the variant. The variant has been reported to be associated with ANKRD17-related disorder (ClinVar ID: VCV001401037 /3billion dataset). Therefore, this variant is classified as Pathogenic according to the recommendation of ACMG/AMP guideline.

Labcorp Genetics (formerly Invitae), Labcorp
Classification: Pathogenic. Last evaluated: 2021-07-06. Review status: criteria provided, single submitter. Criteria: Invitae Variant Classification Sherloc (09022015). Collection method: clinical testing. Allele origin: germline.
Comment: This sequence change creates a premature translational stop signal (p.Arg1488Glufs*14) in the ANKRD17 gene. It is expected to result in an absent or disrupted protein product. Loss-of-function variants in ANKRD17 are known to be pathogenic (PMID: 33909992). This variant is not present in population databases (ExAC no frequency). This variant has not been reported in the literature in individuals affected with ANKRD17-related conditions. For these reasons, this variant has been classified as Pathogenic.

Literature cited by the submitters: PubMed 33909992 (cited by Labcorp Genetics (formerly Invitae), Labcorp).

NM_032217.5(ANKRD17):c.4462_4466del (p.Arg1488fs)

Gene: ANKRD17 (ankyrin repeat domain 17; minus strand). Cytogenetic location: 4q13.3.
Variant type: Microsatellite.
Coding change: c.4462_4466del on transcript NM_032217.5 (MANE Select); coding-DNA positions 4462 to 4466, 5 bases deleted (AGAAG; older notation c.4462_4466delAGAAG).
Protein change: p.Arg1488fs; shifts the reading frame from arginine 1488.
Molecular consequence: frameshift variant.
Genome position (GRCh38, 1-based): chr4:73,102,483-73,102,487, CTTCT deleted on the plus strand (AGAAG on the coding strand, the reverse complement: ANKRD17 is on the minus strand); deleting any 5 consecutive bases within chr4:73,102,483-73,102,495 gives the same sequence; the c. name uses the placement nearest the transcript's 3' end. VCF-style (leftmost placement, unchanged base first): chr4-73102482-CCTTCT-C. GRCh37 (hg19) VCF-style: chr4-73968199-CCTTCT-C.
Other names: c.4123_4127del, p.Arg1375fs (NM_001286771.3); c.4459_4463del, p.Arg1487fs (NM_015574.2); c.3709_3713del, p.Arg1237fs (NM_198889.3); short protein forms R1237fs, R1488fs, R1375fs, R1487fs.
Identifiers: ClinVar variation 1401037 (VCV001401037.7), dbSNP rs2148611909, ClinGen allele CA2580616115.